The following is an entry in ClinVar:

NM_000067.3(CA2):c.319C>A (p.His107Asn)

Gene: CA2 (carbonic anhydrase 2; plus strand). Cytogenetic location: 8q21.2.
Variant type: single nucleotide variant.
Coding change: c.319C>A on transcript NM_000067.3 (MANE Select); coding-DNA position 319, C replaced by A.
Protein change: p.His107Asn; replaces histidine 107 with asparagine.
Molecular consequence: missense variant. On other transcripts: intron variant (1).
Genome position (GRCh38, 1-based): chr8:85,473,779, C>A. VCF-style: chr8-85473779-C-A. GRCh37 (hg19) VCF-style: chr8-86386008-C-A.
Other names: c.49-545C>A (NM_001293675.2); short protein forms H107N.
Identifiers: ClinVar variation 4881453 (VCV004881453.2).

ClinVar aggregate classification (germline): Uncertain significance (1 of 4 stars; one submission).

Conditions:
Osteopetrosis with renal tubular acidosis (OPTB3). Also called: Autosomal recessive osteopetrosis 3. Identifiers: Orphanet 2785, MedGen C0345407, MONDO:0009818, OMIM 259730.

Submission:

Dasa
Classification: Uncertain significance for autosomal recessive osteopetrosis 3. Last evaluated: 2025-12-02. Review status: criteria provided, single submitter. Criteria: DASA Assertion Criteria. Collection method: clinical testing. Allele origin: germline.
Comment: NM_000067.3(CA2):c.319C>A (p.His107Asn) is a missense variant that results in the substitution of histidine with asparagine. The affected residue or protein region has prior evidence supporting clinical relevance. This variant is rare in population databases. Computational prediction algorithms are consistent with a deleterious effect. The currently available literature and clinical evidence are not sufficient to establish a definitive association between this variant and the reported condition. Therefore, this variant is classified as a variant of uncertain significance.